The following is an entry in ClinVar:

ClinVar aggregate classification (germline): Pathogenic (1 of 4 stars; one submission).

Conditions:
Primary ciliary dyskinesia 3. Identifiers: Orphanet 244, MedGen C1837618, MONDO:0012085, OMIM 608644.

Submission:

Myriad Genetics, Inc.
Classification: Pathogenic for Primary ciliary dyskinesia 3. Last evaluated: 2024-05-14. Review status: criteria provided, single submitter. Criteria: Myriad Autosomal Dominant, Autosomal Recessive and X-Linked Classification Criteria (2023). Collection method: clinical testing. Allele origin: unknown.
Comment: NM_001369.2(DNAH5):c.869_870ins10(W290Cfs*12) is expected to be pathogenic in the context of primary ciliary dyskinesia, DNAH5-related. This variant is predicted to lead to an abnormal or absent protein product due to the creation of a premature termination codon in DNAH5, a gene where loss-of-function variants are known to be pathogenic. Please note: this variant was assessed in the context of healthy population screening.

NM_001369.3(DNAH5):c.869_870insTCTCTTATAC (p.Trp290fs)

Gene: DNAH5 (dynein axonemal heavy chain 5; minus strand). Cytogenetic location: 5p15.2.
Variant type: Insertion.
Coding change: c.869_870insTCTCTTATAC on transcript NM_001369.3 (MANE Select); coding-DNA positions 869 to 870, TCTCTTATAC inserted.
Protein change: p.Trp290fs; shifts the reading frame from tryptophan 290.
Molecular consequence: frameshift variant.
Genome position: GRCh38 VCF-style: chr5-13919281-C-CGTATAAGAGA. GRCh37 (hg19) VCF-style: chr5-13919390-C-CGTATAAGAGA.
Other names: short protein forms W290fs.
Identifiers: ClinVar variation 5010804 (VCV005010804.1).